The following is an entry in ClinVar:

ClinVar aggregate classification (germline): Uncertain significance (1 of 4 stars; one submission).

Conditions:
Cardiomyopathy (CMYO). Also called: Cardiomyopathies. Identifiers: Orphanet 167848, MedGen C0878544, MONDO:0004994, HP:0001638. Inheritance: Various modes of inheritance.

gnomAD v4.1: 1 of 1,530,910 alleles (0.000065%); highest among the groups gnomAD compares: South Asian, 0.0012%; no homozygotes.

Submission:

Color Diagnostics, LLC DBA Color Health
Classification: Uncertain significance for Cardiomyopathy. Last evaluated: 2022-10-17. Review status: criteria provided, single submitter. Criteria: ACMG Guidelines, 2015. Collection method: clinical testing. Allele origin: germline.
Comment: This variant changes a single nucleotide -14 bp upstream of the translation start site of the LMNA gene. To our knowledge, functional studies have not been reported for this variant. This variant has not been reported in individuals affected with cardiovascular disorders in the literature. This variant has been identified in 1/138948 chromosomes in the general population by the Genome Aggregation Database (gnomAD). The available evidence is insufficient to determine the role of this variant in disease conclusively. Therefore, this variant is classified as a Variant of Uncertain Significance.

NM_170707.4(LMNA):c.-14C>T

Gene: LMNA (lamin A/C; plus strand). Cytogenetic location: 1q22.
Variant type: single nucleotide variant.
Coding change: c.-14C>T on transcript NM_170707.4 (MANE Select); 14 bases upstream of the start codon, C replaced by T.
Molecular consequence: 5 prime UTR variant. On other transcripts: intron variant (2).
Genome position (GRCh38, 1-based): chr1:156,114,905, C>T. VCF-style: chr1-156114905-C-T. GRCh37 (hg19) VCF-style: chr1-156084696-C-T.
Other names: c.-14C>T (NM_001282625.2, NM_001282626.2, NM_001406983.1 and 6 more transcripts); c.-437C>T (NM_001406986.1); c.-415C>T (NM_001406990.1, NM_001406995.1, NM_001407002.1); c.-678C>T (NM_001406994.1, NM_001407000.1); c.-858C>T (NM_001406999.1); c.-521C>T (NM_001407001.1); c.-203+8082C>T (NM_001406993.1, NM_001407003.1).
Identifiers: ClinVar variation 2773531 (VCV002773531.2), dbSNP rs1352763260, ClinGen allele CA526466853.